The following is an entry in ClinVar:

NM_014241.4(HACD1):c.3G>T (p.Met1Ile)

Genes: HACD1 (3-hydroxyacyl-CoA dehydratase 1; minus strand), LOC130003454 (ATAC-STARR-seq lymphoblastoid silent region 2183; plus strand). Cytogenetic location: 10p12.33.
Variant type: single nucleotide variant.
Coding change: c.3G>T on transcript NM_014241.4 (MANE Select); coding-DNA position 3, G replaced by T.
Protein change: p.Met1Ile; changes the start codon (methionine 1).
Molecular consequence: missense variant, initiator codon variant.
Genome position (GRCh38, 1-based): chr10:17,617,337, C>A on the plus strand (G>T on the coding strand, the complement: HACD1 is on the minus strand). VCF-style: chr10-17617337-C-A. GRCh37 (hg19) VCF-style: chr10-17659336-C-A.
Other names: short protein forms M1I.
Identifiers: ClinVar variation 1441732 (VCV001441732.7), dbSNP rs551662080, ClinGen allele CA203656113.

ClinVar aggregate classification (germline): Uncertain significance. Review status: criteria provided, multiple submitters, no conflicts (2 of 4 stars). 2 submissions from 2 submitters: Uncertain significance (2). Last evaluated 2025-11-10.

Conditions:
Congenital myopathy 11. Also called: Myopathy, congenital, nonprogressive. Identifiers: MedGen C3151531, MONDO:0859264, OMIM 619967.

Allele frequency attached by ClinVar (database versions not stated): gnomAD 0.00001; gnomAD exomes 0.00002 and 0.00012; TOPMed 0.00002; 1000 Genomes Project 30x 0.00016; 1000 Genomes Project 0.00020.

Submissions (2):

Labcorp Genetics (formerly Invitae), Labcorp
Classification: Uncertain significance. Last evaluated: 2025-11-10. Review status: criteria provided, single submitter. Criteria: Invitae Variant Classification Sherloc (09022015). Collection method: clinical testing. Allele origin: germline.
Comment: This sequence change affects the initiator codon of the HACD1 mRNA. This change may impact translation initiation or efficiency. The next in-frame methionine is located at codon 40. The frequency data for this variant in the population databases is considered unreliable, as metrics indicate poor data quality at this position in the gnomAD database. This variant has not been reported in the literature in individuals affected with HACD1-related conditions. ClinVar contains an entry for this variant (Variation ID: 1441732). Experimental studies and prediction algorithms are not available or were not evaluated, and the functional significance of this variant is currently unknown. In summary, the available evidence is currently insufficient to determine the role of this variant in disease. Therefore, it has been classified as a Variant of Uncertain Significance.

Revvity Omics, Revvity
Classification: Uncertain significance for Congenital myopathy 11. Last evaluated: 2025-04-18. Review status: criteria provided, single submitter. Criteria: ACMG Guidelines, 2015. Collection method: clinical testing. Allele origin: germline.